The following is an entry in ClinVar:

ClinVar aggregate classification (germline): Pathogenic. Review status: criteria provided, multiple submitters, no conflicts (2 of 4 stars). 6 submissions from 6 submitters: Pathogenic (4). 2 of the submissions do not count toward it. Last evaluated 2025-09-13.

Conditions:
Mucolipidosis. Also called: Mucolipidoses. Identifiers: Orphanet 79212, MedGen C0026697, MONDO:0019248.
Mucolipidosis type II. Also called: Mucolipidosis 2; ML 2; Inclusion cell disease; Leroy Disease; N-acetylglucosamine 1phosphotransferase deficiency; ML disorder type 2. Identifiers: Orphanet 576, MedGen C2673377, MONDO:0009650, OMIM 252500.
Pseudo-Hurler polydystrophy. Also called: Type III Mucolipidosis; ML IIIA; Mucolipidosis III Alpha/Beta; MUCOLIPIDOSIS IIIA; ML III; ML III ALPHA/BETA. Identifiers: Orphanet 423461, Orphanet 577, MedGen C0033788, MONDO:0018931, OMIM 252600.

Submissions (6):

GeneDx
Classification: Pathogenic. Last evaluated: 2025-09-13. Review status: criteria provided, single submitter. Criteria: GeneDx Variant Classification Process June 2021. Collection method: clinical testing. Allele origin: germline. Affected: yes.
Comment: Frameshift variant predicted to result in protein truncation or nonsense mediated decay in a gene for which loss of function is a known mechanism of disease; Not observed at significant frequency in large population cohorts (gnomAD); This variant is associated with the following publications: (PMID: 19634183, 30882951, 19617216)

Natera, Inc.
Classification: Pathogenic for Mucolipidosis type II. Last evaluated: 2024-09-27. Review status: criteria provided, single submitter. Criteria: Natera Variant Classification Schema (03/2026). Collection method: clinical testing. Allele origin: germline.
Comment: The c.3443_3446delTTTG variant in GNPTAB is a frameshift variant predicted to shift the reading frame beginning at codon 1148 and leads to a stop codon 2 codons downstream. This variant is expected to result in nonsense mediated decay, truncation, or a dysfunctional protein product. This variant is rare in the general population with a frequency below the threshold expected for the associated phenotype(s). This variant has been observed in one or more individuals affected with the associated recessive disease, as either homozygous or compound heterozygous with a second variant (PMID: 19617216). Given the available evidence, this variant is classified as Pathogenic.

Labcorp Genetics (formerly Invitae), Labcorp
Classification: Pathogenic for Pseudo-Hurler polydystrophy; Mucolipidosis type II. Last evaluated: 2023-09-26. Review status: criteria provided, single submitter. Criteria: Invitae Variant Classification Sherloc (09022015). Collection method: clinical testing. Allele origin: germline.
Comment: For these reasons, this variant has been classified as Pathogenic. ClinVar contains an entry for this variant (Variation ID: 39074). This premature translational stop signal has been observed in individual(s) with GNPTAB-related conditions (PMID: 19634183). This variant is present in population databases (rs281865018, gnomAD 0.002%). This sequence change creates a premature translational stop signal (p.Val1148Alafs*2) in the GNPTAB gene. It is expected to result in an absent or disrupted protein product. Loss-of-function variants in GNPTAB are known to be pathogenic (PMID: 19617216, 25107912).

Women's Health and Genetics/Laboratory Corporation of America, LabCorp
Classification: Pathogenic for Mucolipidosis. Last evaluated: 2022-12-14. Review status: criteria provided, single submitter. Criteria: LabCorp Variant Classification Summary - May 2015. Collection method: clinical testing. Allele origin: germline.
Comment: Variant summary: GNPTAB c.3443_3446delTTTG (p.Val1148AlafsX2) results in a premature termination codon, predicted to cause a truncation of the encoded protein or absence of the protein due to nonsense mediated decay, which are commonly known mechanisms for disease. Truncations downstream of this position have been classified as pathogenic by our laboratory. The variant allele was found at a frequency of 8e-06 in 250930 control chromosomes (gnomAD). c.3443_3446delTTTG has been reported in the literature in multiple compound heterozygous individuals affected with Mucolipidosis (Cathey_2009, Tappino_2009). These data indicate that the variant is very likely to be associated with disease. To our knowledge, no experimental evidence demonstrating an impact on protein function has been reported. Three ClinVar submitters (evaluation after 2014) cite this variant as pathogenic. Based on the evidence outlined above, the variant was classified as pathogenic.

Counsyl
Classification: Pathogenic for Mucolipidosis type II; Pseudo-Hurler polydystrophy. Last evaluated: 2017-02-14. Review status: no assertion criteria provided. Collection method: clinical testing. Allele origin: unknown. Not counted in ClinVar's aggregate classification.

GeneReviews
No classification provided. Condition: Pseudo-Hurler polydystrophy. Review status: no classification provided. Collection method: literature only. Allele origin: unknown. Not counted in ClinVar's aggregate classification.

Literature cited by the submitters: PubMed 19617216 (cited by 3 submitters); PubMed 19634183 (cited by 4 submitters); PubMed 25107912 (cited by Labcorp Genetics (formerly Invitae), Labcorp); PubMed 20301728 (cited by GeneReviews); NCBI Bookshelf NBK1828 (cited by GeneReviews).

NM_024312.5(GNPTAB):c.3443_3446del (p.Val1148fs)

Gene: GNPTAB (N-acetylglucosamine-1-phosphate transferase subunits alpha and beta; minus strand). Cytogenetic location: 12q23.2.
Variant type: Microsatellite.
Coding change: c.3443_3446del on transcript NM_024312.5 (MANE Select); coding-DNA positions 3443 to 3446, 4 bases deleted (TTTG; older notation c.3443_3446delTTTG).
Protein change: p.Val1148fs; shifts the reading frame from valine 1148.
Molecular consequence: frameshift variant.
Genome position (GRCh38, 1-based): chr12:101,753,528-101,753,531, CAAA deleted on the plus strand (TTTG on the coding strand, the reverse complement: GNPTAB is on the minus strand); deleting any 4 consecutive bases within chr12:101,753,528-101,753,536 gives the same sequence; the c. name uses the placement nearest the transcript's 3' end. VCF-style (leftmost placement, unchanged base first): chr12-101753527-GCAAA-G. GRCh37 (hg19) VCF-style: chr12-102147305-GCAAA-G.
Other names: c.3443_3446del (NM_024312.4); short protein forms V1148fs.
Identifiers: ClinVar variation 39074 (VCV000039074.16), dbSNP rs281865018, ClinGen allele CA343401.